The following is an entry in ClinVar:

ClinVar aggregate classification (germline): Conflicting classifications of pathogenicity. Review status: criteria provided, conflicting classifications (1 of 4 stars). 4 submissions from 4 submitters: Uncertain significance (3); Likely benign (1). Last evaluated 2026-01-25.

Conditions:
Cardiovascular phenotype. Identifiers: MedGen CN230736.
Cardiomyopathy (CMYO). Also called: Cardiomyopathies. Identifiers: Orphanet 167848, MedGen C0878544, MONDO:0004994, HP:0001638. Inheritance: Various modes of inheritance.
Catecholaminergic polymorphic ventricular tachycardia 1. Also called: VENTRICULAR TACHYCARDIA, CATECHOLAMINERGIC POLYMORPHIC, 1, WITH OR WITHOUT ATRIAL DYSFUNCTION AND/OR DILATED CARDIOMYOPATHY; RYR2-Related Catecholaminergic Polymorphic Ventricular Tachycardia; VENTRICULAR TACHYCARDIA, STRESS-INDUCED POLYMORPHIC 1. Identifiers: Orphanet 3286, MedGen C1631597, MONDO:0011484, OMIM 604772.

Allele frequency attached by ClinVar (database versions not stated): gnomAD exomes 0.00001 and 0.00002; TOPMed 0.00001.
gnomAD v4.1: 9 of 1,613,918 alleles (0.00056%); highest among the groups gnomAD compares: Admixed American, 0.005%; no homozygotes.

Submissions (4):

Ambry Genetics
Classification: Uncertain significance for Cardiovascular phenotype. Last evaluated: 2026-01-25. Review status: criteria provided, single submitter. Criteria: Ambry Variant Classification Scheme 2023. Collection method: clinical testing. Allele origin: germline.
Comment: The p.R3248H variant (also known as c.9743G>A), located in coding exon 68 of the RYR2 gene, results from a G to A substitution at nucleotide position 9743. The arginine at codon 3248 is replaced by histidine, an amino acid with highly similar properties. This amino acid position is conserved. In addition, this alteration is predicted to be tolerated by in silico analysis. Based on the available evidence, the clinical significance of this variant remains unclear.

Labcorp Genetics (formerly Invitae), Labcorp
Classification: Uncertain significance for Catecholaminergic polymorphic ventricular tachycardia 1. Last evaluated: 2025-10-21. Review status: criteria provided, single submitter. Criteria: Invitae Variant Classification Sherloc (09022015). Collection method: clinical testing. Allele origin: germline.
Comment: This sequence change replaces arginine, which is basic and polar, with histidine, which is basic and polar, at codon 3248 of the RYR2 protein (p.Arg3248His). This variant is present in population databases (no rsID available, gnomAD 0.006%). This variant has not been reported in the literature in individuals affected with RYR2-related conditions. ClinVar contains an entry for this variant (Variation ID: 463655). Invitae Evidence Modeling of protein sequence and biophysical properties (such as structural, functional, and spatial information, amino acid conservation, physicochemical variation, residue mobility, and thermodynamic stability) indicates that this missense variant is not expected to disrupt RYR2 protein function with a negative predictive value of 95%. In summary, the available evidence is currently insufficient to determine the role of this variant in disease. Therefore, it has been classified as a Variant of Uncertain Significance.

Color Diagnostics, LLC DBA Color Health
Classification: Uncertain significance for Cardiomyopathy. Last evaluated: 2024-03-06. Review status: criteria provided, single submitter. Criteria: ACMG Guidelines, 2015. Collection method: clinical testing. Allele origin: germline.
Comment: This missense variant replaces arginine with histidine at codon 3248 of the RYR2 protein. Computational prediction suggests that this variant may not impact protein structure and function (internally defined REVEL score threshold <= 0.5, PMID: 27666373). To our knowledge, functional studies have not been reported for this variant. This variant has not been reported in individuals affected with RYR2-related disorders in the literature. This variant has been identified in 4/249008 chromosomes in the general population by the Genome Aggregation Database (gnomAD). The available evidence is insufficient to determine the role of this variant in disease conclusively. Therefore, this variant is classified as a Variant of Uncertain Significance.

Blueprint Genetics
Classification: Likely benign. Last evaluated: 2023-04-13. Review status: criteria provided, single submitter. Criteria: ACMG Guidelines, 2015. Collection method: clinical testing. Allele origin: germline.

NM_001035.3(RYR2):c.9743G>A (p.Arg3248His)

Gene: RYR2 (ryanodine receptor 2; plus strand). Cytogenetic location: 1q43.
Variant type: single nucleotide variant.
Coding change: c.9743G>A on transcript NM_001035.3 (MANE Select); coding-DNA position 9743, G replaced by A.
Protein change: p.Arg3248His; replaces arginine 3248 with histidine.
Molecular consequence: missense variant.
Genome position (GRCh38, 1-based): chr1:237,707,111, G>A. VCF-style: chr1-237707111-G-A. GRCh37 (hg19) VCF-style: chr1-237870411-G-A.
Other names: c.9743G>A, p.Arg3248His (LRG_402t1); short protein forms R3248H.
Identifiers: ClinVar variation 463655 (VCV000463655.17), dbSNP rs1041429670, ClinGen allele CA39791818.